The following is an entry in ClinVar:

NM_033118.4(MYLK2):c.226C>T (p.Pro76Ser)

Gene: MYLK2 (myosin light chain kinase 2; plus strand). Cytogenetic location: 20q11.21.
Variant type: single nucleotide variant.
Coding change: c.226C>T on transcript NM_033118.4 (MANE Select); coding-DNA position 226, C replaced by T.
Protein change: p.Pro76Ser; replaces proline 76 with serine.
Molecular consequence: missense variant.
Genome position (GRCh38, 1-based): chr20:31,820,299, C>T. VCF-style: chr20-31820299-C-T. GRCh37 (hg19) VCF-style: chr20-30408102-C-T.
Other names: short protein forms P76S.
Identifiers: ClinVar variation 191737 (VCV000191737.4), dbSNP rs199791180, ClinGen allele CA237409.

ClinVar aggregate classification (germline): Uncertain significance. Review status: criteria provided, multiple submitters, no conflicts (2 of 4 stars). 2 submissions from 2 submitters: Uncertain significance (2). Last evaluated 2025-12-02.

Conditions:
Hypertrophic cardiomyopathy 1 (CMH1). Also called: Familial hypertrophic cardiomyopathy 1; MYH7-Related Familial Hypertrophic Cardiomyopathy. Identifiers: MedGen C3495498, MONDO:0008647, OMIM 192600.

Allele frequency attached by ClinVar (database versions not stated): gnomAD 0.00002; gnomAD exomes 0.00001 and 0.00004; TOPMed 0.00003; ExAC 0.00002.
gnomAD v4.1: 61 of 1,613,418 alleles (0.0038%); highest among the groups gnomAD compares: Non-Finnish European, 0.0052%; no homozygotes.

Submissions (2):

Labcorp Genetics (formerly Invitae), Labcorp
Classification: Uncertain significance for Hypertrophic cardiomyopathy 1. Last evaluated: 2025-12-02. Review status: criteria provided, single submitter. Criteria: Invitae Variant Classification Sherloc (09022015). Collection method: clinical testing. Allele origin: germline.
Comment: This sequence change replaces proline, which is neutral and non-polar, with serine, which is neutral and polar, at codon 76 of the MYLK2 protein (p.Pro76Ser). This variant is present in population databases (rs199791180, gnomAD 0.003%). This variant has not been reported in the literature in individuals affected with MYLK2-related conditions. ClinVar contains an entry for this variant (Variation ID: 191737). Invitae Evidence Modeling of protein sequence and biophysical properties (such as structural, functional, and spatial information, amino acid conservation, physicochemical variation, residue mobility, and thermodynamic stability) indicates that this missense variant is not expected to disrupt MYLK2 protein function with a negative predictive value of 80%. In summary, the available evidence is currently insufficient to determine the role of this variant in disease. Therefore, it has been classified as a Variant of Uncertain Significance.

Biesecker Lab/Clinical Genomics Section, National Institutes of Health
Classification: Uncertain significance. Last evaluated: 2013-06-24. Review status: criteria provided, single submitter. Criteria: Ng et al. (Circ Cardiovasc Genet. 2013). Collection method: research. Allele origin: unknown. Observed: 1 variant allele. Study: ClinSeq.
Comment: The study set was not selected for affection status in relation to any cancer. Pathogenicity categories were based on literature curation. See Pubmed ID:23861362 for details.

Medical sequencing